The following is an entry in ClinVar:

ClinVar aggregate classification (germline): Uncertain significance. Review status: criteria provided, multiple submitters, no conflicts (2 of 4 stars). 4 submissions from 4 submitters: Uncertain significance (4). Last evaluated 2025-06-24.

Conditions:
Progressive myoclonic epilepsy type 8. Identifiers: Orphanet 424027, MedGen C5190825, MONDO:0014545, OMIM 616230.

Allele frequency attached by ClinVar (database versions not stated): ESP Exome Variant Server 0.00008; gnomAD exomes 0.00018; gnomAD 0.00020 and 0.00021; TOPMed 0.00022; ExAC 0.00027.
gnomAD v4.1: 292 of 1,557,914 alleles (0.019%); highest among the groups gnomAD compares: Middle Eastern, 0.13%; no homozygotes.

Submissions (4):

Ambry Genetics
Classification: Uncertain significance. Last evaluated: 2025-06-24. Review status: criteria provided, single submitter. Criteria: Ambry Variant Classification Scheme 2023. Collection method: clinical testing. Allele origin: germline.

Blueprint Genetics
Classification: Uncertain significance. Last evaluated: 2024-09-02. Review status: criteria provided, single submitter. Criteria: ACMG Guidelines, 2015. Collection method: clinical testing. Allele origin: germline.

Labcorp Genetics (formerly Invitae), Labcorp
Classification: Uncertain significance for Progressive myoclonic epilepsy type 8. Last evaluated: 2022-10-05. Review status: criteria provided, single submitter. Criteria: Invitae Variant Classification Sherloc (09022015). Collection method: clinical testing. Allele origin: germline.
Comment: This sequence change replaces glycine, which is neutral and non-polar, with serine, which is neutral and polar, at codon 229 of the CERS1 protein (p.Gly229Ser). This variant is present in population databases (rs373056917, gnomAD 0.03%). This variant has not been reported in the literature in individuals affected with CERS1-related conditions. ClinVar contains an entry for this variant (Variation ID: 571809). Algorithms developed to predict the effect of missense changes on protein structure and function are either unavailable or do not agree on the potential impact of this missense change (SIFT: "Deleterious"; PolyPhen-2: "Possibly Damaging"; Align-GVGD: "Class C0"). Algorithms developed to predict the effect of sequence changes on RNA splicing suggest that this variant may create or strengthen a splice site. In summary, the available evidence is currently insufficient to determine the role of this variant in disease. Therefore, it has been classified as a Variant of Uncertain Significance.

Breakthrough Genomics
Classification: Uncertain significance. Review status: criteria provided, single submitter. Criteria: ACMG Guidelines, 2015. Collection method: not provided. Allele origin: germline. Inheritance: Autosomal dominant inheritance. Affected: yes.

NM_021267.5(CERS1):c.685G>A (p.Gly229Ser)

Genes: CERS1 (ceramide synthase 1; minus strand), GDF1 (growth differentiation factor 1; minus strand). Cytogenetic location: 19p13.11.
Variant type: single nucleotide variant.
Coding change: c.685G>A on transcript NM_021267.5 (MANE Select); coding-DNA position 685, G replaced by A.
Protein change: p.Gly229Ser; replaces glycine 229 with serine.
Molecular consequence: missense variant. On other transcripts: 5 prime UTR variant (1), intron variant (1).
Genome position (GRCh38, 1-based): chr19:18,880,341, C>T on the plus strand (G>A on the coding strand, the complement: CERS1 is on the minus strand). VCF-style: chr19-18880341-C-T. GRCh37 (hg19) VCF-style: chr19-18991150-C-T.
Other names: c.391G>A, p.Gly131Ser (NM_001290265.2, NM_001387442.1, NM_001387443.1 and 2 more transcripts); c.685G>A, p.Gly229Ser (NM_001387439.1, NM_001387440.1, NM_198207.3); c.640G>A, p.Gly214Ser (NM_001387441.1); c.-638G>A (NM_001492.6); c.-313+3746G>A (NM_001387438.1); short protein forms G229S, G131S, G214S.
Identifiers: ClinVar variation 571809 (VCV000571809.10), dbSNP rs373056917, ClinGen allele CA9318180.